The following is an entry in ClinVar:

ClinVar aggregate classification (germline): Uncertain significance (1 of 4 stars; one submission).

Submission:

GeneDx
Classification: Uncertain significance. Last evaluated: 2024-04-17. Review status: criteria provided, single submitter. Criteria: GeneDx Variant Classification Process June 2021. Collection method: clinical testing. Allele origin: germline. Affected: yes.
Comment: Not observed at significant frequency in large population cohorts (gnomAD); In silico analysis supports that this missense variant has a deleterious effect on protein structure/function; Has not been previously published as pathogenic or benign to our knowledge; In silico analysis suggests this variant may impact gene splicing. In the absence of RNA/functional studies, the actual effect of this sequence change is unknown.

NM_003238.6(TGFB2):c.665T>G (p.Ile222Arg)

Gene: TGFB2 (transforming growth factor beta 2; plus strand). Cytogenetic location: 1q41.
Variant type: single nucleotide variant.
Coding change: c.665T>G on transcript NM_003238.6 (MANE Select); coding-DNA position 665, T replaced by G.
Protein change: p.Ile222Arg; replaces isoleucine 222 with arginine.
Molecular consequence: missense variant. On other transcripts: non-coding transcript variant (2).
Genome position (GRCh38, 1-based): chr1:218,434,359, T>G. VCF-style: chr1-218434359-T-G. GRCh37 (hg19) VCF-style: chr1-218607701-T-G.
Other names: c.749T>G, p.Ile250Arg (NM_001135599.4); short protein forms I222R, I250R.
Identifiers: ClinVar variation 3372722 (VCV003372722.1).